The following is an entry in ClinVar:

NM_001378183.1(PIEZO2):c.5833A>G (p.Ser1945Gly)

Gene: PIEZO2 (piezo type mechanosensitive ion channel component 2; minus strand). Cytogenetic location: 18p11.22.
Variant type: single nucleotide variant.
Coding change: c.5833A>G on transcript NM_001378183.1 (MANE Select); coding-DNA position 5833, A replaced by G.
Protein change: p.Ser1945Gly; replaces serine 1945 with glycine.
Molecular consequence: missense variant.
Genome position (GRCh38, 1-based): chr18:10,705,502, T>C on the plus strand (A>G on the coding strand, the complement: PIEZO2 is on the minus strand). VCF-style: chr18-10705502-T-C. GRCh37 (hg19) VCF-style: chr18-10705500-T-C.
Other names: c.5494A>G, p.Ser1832Gly (NM_022068.4); short protein forms S1832G, S1945G.
Identifiers: ClinVar variation 1310608 (VCV001310608.2), dbSNP rs1397611590, ClinGen allele CA401910565.

ClinVar aggregate classification (germline): Uncertain significance (1 of 4 stars; one submission).

Allele frequency attached by ClinVar (database versions not stated): TOPMed below 0.00001; gnomAD 0.00001; gnomAD exomes 0.00001.
gnomAD v4.1: 3 of 1,537,134 alleles (0.0002%); highest among the groups gnomAD compares: African/African-American, 0.0027%; no homozygotes.

Submission:

GeneDx
Classification: Uncertain significance. Last evaluated: 2020-06-02. Review status: criteria provided, single submitter. Criteria: GeneDx Variant Classification Process June 2021. Collection method: clinical testing. Allele origin: germline. Affected: yes.
Comment: Has not been previously published as pathogenic or benign to our knowledge; Not observed at a significant frequency in large population cohorts (Lek et al., 2016); In silico analysis, which includes protein predictors and evolutionary conservation, supports that this variant does not alter protein structure/function